The following is an entry in ClinVar:

NM_024422.6(DSC2):c.2300G>A (p.Gly767Glu)

Gene: DSC2 (desmocollin 2; minus strand). Cytogenetic location: 18q12.1.
Variant type: single nucleotide variant.
Coding change: c.2300G>A on transcript NM_024422.6 (MANE Select); coding-DNA position 2300, G replaced by A.
Protein change: p.Gly767Glu; replaces glycine 767 with glutamic acid.
Molecular consequence: missense variant.
Genome position (GRCh38, 1-based): chr18:31,069,102, C>T on the plus strand (G>A on the coding strand, the complement: DSC2 is on the minus strand). VCF-style: chr18-31069102-C-T. GRCh37 (hg19) VCF-style: chr18-28649068-C-T.
Other names: c.2300G>A, p.Gly767Glu (NM_004949.5); short protein forms G767E.
Identifiers: ClinVar variation 1171899 (VCV001171899.6), dbSNP rs772898155, ClinGen allele CA036099.

ClinVar aggregate classification (germline): Uncertain significance. Review status: criteria provided, multiple submitters, no conflicts (2 of 4 stars). 2 submissions from 2 submitters: Uncertain significance (2). Last evaluated 2024-03-06.

Conditions:
Cardiomyopathy (CMYO). Also called: Cardiomyopathies. Identifiers: Orphanet 167848, MedGen C0878544, MONDO:0004994, HP:0001638. Inheritance: Various modes of inheritance.
Arrhythmogenic right ventricular dysplasia 11. Also called: Arrhythmogenic Right Ventricular Dysplasia/Cardiomyopathy11; ARRHYTHMOGENIC RIGHT VENTRICULAR DYSPLASIA, FAMILIAL, 11; Arrhythmogenic right ventricular dysplasia 11 with mild palmoplantar keratoderma and woolly hair. Identifiers: MedGen C1864850, MONDO:0012506, OMIM 610476.

Allele frequency attached by ClinVar (database versions not stated): gnomAD 0.00001; gnomAD exomes 0.00002 and 0.00001; ExAC 0.00003.
gnomAD v4.1: 7 of 1,614,086 alleles (0.00043%); highest among the groups gnomAD compares: East Asian, 0.011%; no homozygotes.

Submissions (2):

Color Diagnostics, LLC DBA Color Health
Classification: Uncertain significance for Cardiomyopathy. Last evaluated: 2024-03-06. Review status: criteria provided, single submitter. Criteria: ACMG Guidelines, 2015. Collection method: clinical testing. Allele origin: germline.
Comment: This missense variant replaces glycine with glutamic acid at codon 767 of the DSC2 protein. Computational prediction suggests that this variant may not impact protein structure and function (internally defined REVEL score threshold <= 0.5, PMID: 27666373). To our knowledge, functional studies have not been reported for this variant. This variant has not been reported in individuals affected with cardiovascular disorders in the literature. This variant has been identified in 7/282460 chromosomes in the general population by the Genome Aggregation Database (gnomAD). The available evidence is insufficient to determine the role of this variant in disease conclusively. Therefore, this variant is classified as a Variant of Uncertain Significance.

Labcorp Genetics (formerly Invitae), Labcorp
Classification: Uncertain significance for Arrhythmogenic right ventricular dysplasia 11. Last evaluated: 2023-01-14. Review status: criteria provided, single submitter. Criteria: Invitae Variant Classification Sherloc (09022015). Collection method: clinical testing. Allele origin: germline.
Comment: In summary, the available evidence is currently insufficient to determine the role of this variant in disease. Therefore, it has been classified as a Variant of Uncertain Significance. Advanced modeling of protein sequence and biophysical properties (such as structural, functional, and spatial information, amino acid conservation, physicochemical variation, residue mobility, and thermodynamic stability) performed at Invitae indicates that this missense variant is not expected to disrupt DSC2 protein function. ClinVar contains an entry for this variant (Variation ID: 1171899). This variant has not been reported in the literature in individuals affected with DSC2-related conditions. This variant is present in population databases (rs772898155, gnomAD 0.03%). This sequence change replaces glycine, which is neutral and non-polar, with glutamic acid, which is acidic and polar, at codon 767 of the DSC2 protein (p.Gly767Glu).